The following is an entry in ClinVar:

ClinVar aggregate classification (germline): Uncertain significance. Review status: criteria provided, multiple submitters, no conflicts (2 of 4 stars). 2 submissions from 2 submitters: Uncertain significance (2). Last evaluated 2025-09-22.

Conditions:
Epidermodysplasia verruciformis. Identifiers: Orphanet 302, MedGen C0014522, MONDO:0009176.
Inborn genetic diseases. Identifiers: MedGen C0950123, MeSH D030342.

Allele frequency attached by ClinVar (database versions not stated): gnomAD 0.00005 and 0.00004; TOPMed 0.00006; ExAC 0.00004.
gnomAD v4.1: 70 of 1,596,142 alleles (0.0044%); highest among the groups gnomAD compares: African/African-American, 0.008%; no homozygotes.

Submissions (2):

Ambry Genetics
Classification: Uncertain significance for Inborn genetic diseases. Last evaluated: 2025-09-22. Review status: criteria provided, single submitter. Criteria: Ambry Variant Classification Scheme 2023. Collection method: clinical testing. Allele origin: germline.

Labcorp Genetics (formerly Invitae), Labcorp
Classification: Uncertain significance for Epidermodysplasia verruciformis. Last evaluated: 2022-07-06. Review status: criteria provided, single submitter. Criteria: Invitae Variant Classification Sherloc (09022015). Collection method: clinical testing. Allele origin: germline.
Comment: In summary, the available evidence is currently insufficient to determine the role of this variant in disease. Therefore, it has been classified as a Variant of Uncertain Significance. Algorithms developed to predict the effect of missense changes on protein structure and function are either unavailable or do not agree on the potential impact of this missense change (SIFT: "Not Available"; PolyPhen-2: "Possibly Damaging"; Align-GVGD: "Not Available"). ClinVar contains an entry for this variant (Variation ID: 641248). This variant has not been reported in the literature in individuals affected with TMC6-related conditions. This variant is present in population databases (rs753272370, gnomAD 0.02%). This sequence change replaces arginine, which is basic and polar, with cysteine, which is neutral and slightly polar, at codon 236 of the TMC6 protein (p.Arg236Cys).

NM_001127198.5(TMC6):c.706C>T (p.Arg236Cys)

Gene: TMC6 (transmembrane channel like 6; minus strand). Cytogenetic location: 17q25.3.
Variant type: single nucleotide variant.
Coding change: c.706C>T on transcript NM_001127198.5 (MANE Select); coding-DNA position 706, C replaced by T.
Protein change: p.Arg236Cys; replaces arginine 236 with cysteine.
Molecular consequence: missense variant. On other transcripts: non-coding transcript variant (4).
Genome position (GRCh38, 1-based): chr17:78,124,709, G>A on the plus strand (C>T on the coding strand, the complement: TMC6 is on the minus strand). VCF-style: chr17-78124709-G-A. GRCh37 (hg19) VCF-style: chr17-76120790-G-A.
Other names: c.706C>T, p.Arg236Cys (NM_001321185.1, NM_001374593.1, NM_001374594.1 and 4 more transcripts); c.706C>T (NM_007267.6); short protein forms R236C.
Identifiers: ClinVar variation 641248 (VCV000641248.9), dbSNP rs753272370, ClinGen allele CA8796023.